The following is an entry in ClinVar:

NM_032043.3(BRIP1):c.465A>G (p.Gln155=)

Gene: BRIP1 (BRCA1 interacting DNA helicase 1; minus strand). Cytogenetic location: 17q23.2.
Variant type: single nucleotide variant.
Coding change: c.465A>G on transcript NM_032043.3 (MANE Select); coding-DNA position 465, A replaced by G.
Protein change: p.Gln155=; no amino-acid change (glutamine 155 retained).
Molecular consequence: synonymous variant.
Genome position (GRCh38, 1-based): chr17:61,849,171, T>C on the plus strand (A>G on the coding strand, the complement: BRIP1 is on the minus strand). VCF-style: chr17-61849171-T-C. GRCh37 (hg19) VCF-style: chr17-59926532-T-C.
Identifiers: ClinVar variation 231946 (VCV000231946.20), dbSNP rs876659453, ClinGen allele CA10580876.

ClinVar aggregate classification (germline): Conflicting classifications of pathogenicity. Review status: criteria provided, conflicting classifications (1 of 4 stars). 4 submissions from 4 submitters: Likely pathogenic (1); Uncertain significance (3). Last evaluated 2025-09-23.

Conditions:
Hereditary cancer-predisposing syndrome. Also called: Hereditary Cancer Syndrome; Neoplastic Syndromes, Hereditary; Tumor predisposition; Hereditary neoplastic syndrome. Identifiers: Orphanet 140162, MedGen C0027672, MeSH D009386, MONDO:0015356.
Fanconi anemia complementation group J. Also called: BRIP1-Related Fanconi Anemia. Identifiers: Orphanet 84, MedGen C1836860, MONDO:0012187, OMIM 609054.
Familial cancer of breast. Also called: Hereditary breast cancer; hereditary breast carcinoma; BREAST CANCER, FAMILIAL. Identifiers: Orphanet 227535, MedGen C0346153, MONDO:0016419, OMIM 114480. Disease mechanism: loss of function.

Allele frequency attached by ClinVar (database versions not stated): gnomAD exomes below 0.00001; TOPMed 0.00001.
gnomAD v4.1: 1 of 1,613,348 alleles (0.000062%); highest among the groups gnomAD compares: African/African-American, 0.0013%; no homozygotes.

Submissions (4):

Labcorp Genetics (formerly Invitae), Labcorp
Classification: Uncertain significance for Familial cancer of breast; Fanconi anemia complementation group J. Last evaluated: 2025-09-23. Review status: criteria provided, single submitter. Criteria: Invitae Variant Classification Sherloc (09022015). Collection method: clinical testing. Allele origin: germline.
Comment: This sequence change affects codon 155 of the BRIP1 mRNA. It is a 'silent' change, meaning that it does not change the encoded amino acid sequence of the BRIP1 protein. RNA analysis indicates that this variant induces altered splicing and may result in an absent or altered protein product. This variant is not present in population databases (gnomAD no frequency). This variant has not been reported in the literature in individuals affected with BRIP1-related conditions. ClinVar contains an entry for this variant (Variation ID: 231946). Studies have shown that this variant results in skipping of exon 5, and produces a non-functional protein and/or introduces a premature termination codon (internal data). In summary, the available evidence is currently insufficient to determine the role of this variant in disease. Therefore, it has been classified as a Variant of Uncertain Significance.

Ambry Genetics
Classification: Likely pathogenic for Hereditary cancer-predisposing syndrome. Last evaluated: 2025-04-15. Review status: criteria provided, single submitter. Criteria: Ambry Variant Classification Scheme 2023. Collection method: clinical testing. Allele origin: germline.
Comment: The c.465A>G variant (also known as p.Q155Q), located in coding exon 4 of the BRIP1 gene, results from an A to G substitution at nucleotide position 465. This nucleotide substitution does not change the amino acid at codon 155. This nucleotide position is well conserved in available vertebrate species. In silico splice site analysis predicts that this alteration will weaken the native splice donor site. RNA studies have demonstrated that this alteration results in abnormal splicing in the set of samples tested (Ambry internal data). Based on the majority of available evidence to date, this variant is likely to be pathogenic.

Baylor Genetics
Classification: Uncertain significance for Familial cancer of breast. Last evaluated: 2023-08-08. Review status: criteria provided, single submitter. Criteria: ACMG Guidelines, 2015. Collection method: clinical testing. Allele origin: unknown.

GeneDx
Classification: Uncertain significance. Last evaluated: 2020-02-18. Review status: criteria provided, single submitter. Criteria: GeneDx Variant Classification Process June 2021. Collection method: clinical testing. Allele origin: germline. Affected: yes.
Comment: Not observed in large population cohorts (Lek 2016); Has not been previously published as pathogenic or benign to our knowledge; In silico analysis, which includes splice predictors and evolutionary conservation, suggests this variant may impact gene splicing. In the absence of RNA/functional studies, the actual effect of this sequence change is unknown.